The following is an entry in ClinVar:

NM_000051.4(ATM):c.7199G>C (p.Arg2400Thr)

Genes: ATM (ATM serine/threonine kinase; plus strand), C11orf65 (chromosome 11 open reading frame 65; minus strand). Cytogenetic location: 11q22.3.
Variant type: single nucleotide variant.
Coding change: c.7199G>C on transcript NM_000051.4 (MANE Select); coding-DNA position 7199, G replaced by C.
Protein change: p.Arg2400Thr; replaces arginine 2400 with threonine.
Molecular consequence: missense variant. On other transcripts: intron variant (2).
Genome position (GRCh38, 1-based): chr11:108,329,130, G>C. VCF-style: chr11-108329130-G-C. GRCh37 (hg19) VCF-style: chr11-108199857-G-C.
Other names: c.7199G>C, p.Arg2400Thr (NM_001351834.2); c.641-20059C>G (NM_001330368.2); c.*38+6090C>G (NM_001351110.2); short protein forms R2400T.
Identifiers: ClinVar variation 1332321 (VCV001332321.4), dbSNP rs567457294, ClinGen allele CA382559611.

ClinVar aggregate classification (germline): Uncertain significance (1 of 4 stars; one submission).

Conditions:
Hereditary cancer-predisposing syndrome. Also called: Tumor predisposition; Neoplastic Syndromes, Hereditary; Hereditary Cancer Syndrome; Hereditary neoplastic syndrome. Identifiers: Orphanet 140162, MedGen C0027672, MeSH D009386, MONDO:0015356.

Submission:

Color Diagnostics, LLC DBA Color Health
Classification: Uncertain significance for Hereditary cancer-predisposing syndrome. Last evaluated: 2024-03-06. Review status: criteria provided, single submitter. Criteria: ACMG Guidelines, 2015. Collection method: clinical testing. Allele origin: germline.
Comment: This missense variant replaces arginine with threonine at codon 2400 of the ATM protein. Computational prediction is inconclusive regarding the impact of this variant on protein structure and function (internally defined REVEL score threshold 0.5 < inconclusive < 0.7, PMID: 27666373). To our knowledge, functional studies have not been reported for this variant. This variant has not been reported in individuals affected with hereditary cancer in the literature. This variant has not been identified in the general population by the Genome Aggregation Database (gnomAD). The available evidence is insufficient to determine the role of this variant in disease conclusively. Therefore, this variant is classified as a Variant of Uncertain Significance.